The following is an entry in ClinVar:

NM_000169.3(GLA):c.547G>C (p.Gly183Arg)

Genes: GLA (galactosidase alpha; minus strand), RPL36A-HNRNPH2 (RPL36A-HNRNPH2 readthrough; plus strand). Cytogenetic location: Xq22.1.
Variant type: single nucleotide variant.
Coding change: c.547G>C on transcript NM_000169.3 (MANE Select); coding-DNA position 547, G replaced by C.
Protein change: p.Gly183Arg; replaces glycine 183 with arginine.
Molecular consequence: missense variant. On other transcripts: non-coding transcript variant (3), intron variant (2).
Genome position (GRCh38, 1-based): chrX:101,401,632, C>G on the plus strand (G>C on the coding strand, the complement: GLA is on the minus strand). VCF-style: chrX-101401632-C-G. GRCh37 (hg19) VCF-style: chrX-100656620-C-G.
Other names: c.670G>C, p.Gly224Arg (NM_001406747.1, NM_001406749.1); c.547G>C, p.Gly183Arg (NM_001406748.1); c.300+6175C>G (NM_001199973.2); c.177+9810C>G (NM_001199974.2); short protein forms G183R, G224R.
Identifiers: ClinVar variation 4974896 (VCV004974896.1).
Genomic context (GRCh38, chrX:101,401,632, plus strand): 5'-CAGCTACCATGGCCTCAAAGTTCTTTCCTTTGTGGCTAAATCTCTGGAATGAAACATTAC[C>G]ATCTGCCAAATTTTCCAAACTGTCACAGTAACAACCATCAAATTTTAGCAGATCTACTCC-3'
Protein context (NP_000160.1, residues 173-193): YCDSLENLAD[Gly183Arg]YKHMSLALNR

ClinVar aggregate classification (germline): Uncertain significance (1 of 4 stars; one submission).

Conditions:
Fabry disease. Also called: Fabry's disease; ALPHA-GALACTOSIDASE A DEFICIENCY; ANDERSON-FABRY DISEASE; CERAMIDE TRIHEXOSIDASE DEFICIENCY; GLA DEFICIENCY; HEREDITARY DYSTOPIC LIPIDOSIS. Identifiers: Orphanet 324, MedGen C0002986, MONDO:0010526, OMIM 301500, HP:0001071. Disease mechanism: Fabry disease is due to inactivating mutations in the X-linked GLA gene resulting in deficiency of the enzyme Alpha Galactosidase-A., loss of function.

Submission:

Genomenon, Inc
Classification: Uncertain significance for Fabry disease. Last evaluated: 2026-09-08. Review status: criteria provided, single submitter. Criteria: Genomenon Sequence Variant Interpretation Standards - Updated. Collection method: curation. Allele origin: germline. Affected: yes.
Comment: GLA p.Gly183Arg (c.547G>C) is a missense variant that changes the amino acid at codon 183 from Glycine to Arginine. This variant has been observed in at least one proband with clinical features consistent with Fabry disease (PMID:20367968). It is absent or not present at a significant frequency in gnomAD. In silico models predict that this variant is possibly or probably damaging. In conclusion, we classify GLA p.Gly183Arg (c.547G>C) as a variant of uncertain significance.

Literature cited by the submitters: PubMed 20367968.